The following is an entry in ClinVar:

ClinVar aggregate classification (germline): Pathogenic/Likely pathogenic. Review status: criteria provided, multiple submitters, no conflicts (2 of 4 stars). 11 submissions from 11 submitters: Pathogenic (6); Likely pathogenic (2). 3 of the submissions do not count toward it. Last evaluated 2026-08-05.

Conditions:
GNPTAB-Related Disorders. Also called: GNPTAB-related disorder; GNPTAB-related condition. Identifiers: MedGen CN381523.
Mucolipidosis. Also called: Mucolipidoses. Identifiers: Orphanet 79212, MedGen C0026697, MONDO:0019248.
Pseudo-Hurler polydystrophy. Also called: ML IIIA; Mucolipidosis III Alpha/Beta; ML III; ML III ALPHA/BETA; Type III Mucolipidosis; MUCOLIPIDOSIS IIIA. Identifiers: Orphanet 423461, Orphanet 577, MedGen C0033788, MONDO:0018931, OMIM 252600.
Mucolipidosis type II. Also called: Mucolipidosis 2; ML 2; Inclusion cell disease; Leroy Disease; N-acetylglucosamine 1phosphotransferase deficiency; ML disorder type 2. Identifiers: Orphanet 576, MedGen C2673377, MONDO:0009650, OMIM 252500.

Submissions (11):

PreventionGenetics, part of Exact Sciences
Classification: Pathogenic for GNPTAB-related condition. Last evaluated: 2026-08-05. Review status: criteria provided, single submitter. Criteria: ACMG Guidelines, 2015. Collection method: clinical testing. Allele origin: germline.
Comment: The GNPTAB c.2550_2554del5 variant is predicted to result in a frameshift and premature protein termination (p.Lys850Asnfs*10). This variant was reported in both the homozygous state and compound heterozygous state in several individuals with mucolipidosis II (see for example: Tappino et al. 2009. PubMed ID: 19634183; Liu et al 2016. PubMed ID: 27662472; Pasumarthi et al. 2020. PubMed ID: 32651481; Feng et al. 2024. PubMed ID: 39710647). This variant is reported in 0.0065% of alleles in individuals of South Asian descent in gnomAD, and it is consistently classified as pathogenic/likely pathogenic in the ClinVar database (Variation ID: 39055). Frameshift variants in GNPTAB are expected to be pathogenic. This variant is interpreted as pathogenic.

Labcorp Genetics (formerly Invitae), Labcorp
Classification: Pathogenic for Pseudo-Hurler polydystrophy; Mucolipidosis type II. Last evaluated: 2025-06-22. Review status: criteria provided, single submitter. Criteria: Invitae Variant Classification Sherloc (09022015). Collection method: clinical testing. Allele origin: germline.
Comment: This sequence change creates a premature translational stop signal (p.Lys850Asnfs*10) in the GNPTAB gene. It is expected to result in an absent or disrupted protein product. Loss-of-function variants in GNPTAB are known to be pathogenic (PMID: 19617216, 25107912). This variant is present in population databases (rs281864996, gnomAD 0.006%). This premature translational stop signal has been observed in individual(s) with mucolipidosis type II alpha/beta (PMID: 19634183). ClinVar contains an entry for this variant (Variation ID: 39055). For these reasons, this variant has been classified as Pathogenic.

Natera, Inc.
Classification: Pathogenic for Mucolipidosis type II. Last evaluated: 2025-01-24. Review status: criteria provided, single submitter. Criteria: Natera Variant Classification Schema (03/2026). Collection method: clinical testing. Allele origin: germline.
Comment: The c.2550_2554delGAAAA variant in GNPTAB is a frameshift variant predicted to shift the reading frame beginning at codon 850 and leads to a stop codon 10 codons downstream. This variant is expected to result in nonsense mediated decay, truncation, or a dysfunctional protein product. This variant is rare in the general population with a frequency below the threshold expected for the associated phenotype(s). This variant has been observed in one or more individuals affected with the associated recessive disease, as either homozygous or compound heterozygous with a second variant (PMID: 19634183, 27662472). Given the available evidence, this variant is classified as Pathogenic.

Fulgent Genetics
Classification: Pathogenic for Mucolipidosis type II; Pseudo-Hurler polydystrophy. Last evaluated: 2024-03-22. Review status: criteria provided, single submitter. Criteria: ACMG Guidelines, 2015. Collection method: clinical testing. Allele origin: germline.

Foundation for Research in Genetics and Endocrinology, FRIGE's Institute of Human Genetics
Classification: Pathogenic for Mucolipidosis type II. Last evaluated: 2023-04-13. Review status: criteria provided, single submitter. Criteria: ACMG Guidelines, 2015. Collection method: clinical testing. Allele origin: germline. Inheritance: Autosomal recessive inheritance. Affected: yes. Observed: 1 heterozygote.
Comment: A heterozygous variation in exon 13 of the GNPTAB gene detected. The observed variant c.2550_2554del has not been reported in the 1000 genomes and MAF 0.0028% in the gnomAD databases. The in silico prediction of the variant are possibly damaging by PolyPhen-2 and damaging by SIFT and MutationTaster. In summary, the variant meets our criteria to be classified as pathogenic.

Women's Health and Genetics/Laboratory Corporation of America, LabCorp
Classification: Likely pathogenic for Mucolipidosis type II. Last evaluated: 2019-11-22. Review status: criteria provided, single submitter. Criteria: LabCorp Variant Classification Summary - May 2015. Collection method: clinical testing. Allele origin: germline.
Comment: Variant summary: GNPTAB c.2550_2554delGAAAA (p.Lys850AsnfsX10) results in a premature termination codon, predicted to cause a truncation of the encoded protein or absence of the protein due to nonsense mediated decay, which are commonly known mechanisms for disease. Truncations downstream of this position have been classified as pathogenic by our laboratory. The variant allele was found at a frequency of 2.8e-05 in 251182 control chromosomes (gnomAD). c.2550_2554delGAAAA has been reported in the literature in homozygous and compound heterozygous individuals affected with Mucolipidosis type 2 (Liu_2016, Tappino_2009). These data indicate that the variant may be associated with disease. To our knowledge, no experimental evidence demonstrating an impact on protein function has been reported. Two ClinVar submitters (evaluation after 2014) cite the variant as likely pathogenic. Based on the evidence outlined above, the variant was classified as likely pathogenic.

Diagnostics Division, CENTRE FOR DNA FINGERPRINTING AND DIAGNOSTICS
Classification: Likely pathogenic for Mucolipidosis type II; Pseudo-Hurler polydystrophy. Last evaluated: 2016-01-01. Review status: criteria provided, single submitter. Criteria: ACMG Guidelines, 2015. Collection method: research. Allele origin: unknown. Affected: yes. Observed: 1 homozygote.
Comment: Inframe deletion variant

Neuberg Centre For Genomic Medicine, NCGM
Classification: Pathogenic for Mucolipidosis type II. Review status: criteria provided, single submitter. Criteria: ACMG Guidelines, 2015. Collection method: clinical testing. Allele origin: germline. Inheritance: Autosomal recessive inheritance. Affected: yes.
Comment: The above variant has been previoulsy reported in individuals with Mucolipidosis II alpha/beta disorder (Tappino B, et al., 2009; Liu S, et al.. 2016). Loss-of function variants in GNPTAB are known to be pathogenic (Cathey SS, et al.,2010). For these reason, this variant has been classifed as Pathogenic.

Counsyl
Classification: Likely pathogenic for Mucolipidosis type II; Pseudo-Hurler polydystrophy. Last evaluated: 2017-10-02. Review status: no assertion criteria provided. Collection method: clinical testing. Allele origin: unknown. Not counted in ClinVar's aggregate classification.

Department of Genetics and Endocrinology, Guangzhou Women and Children’s Medical Center
Classification: Pathogenic for Mucolipidosis. Review status: no assertion criteria provided. Collection method: clinical testing. Allele origin: inherited. Affected: yes. Not counted in ClinVar's aggregate classification.

GeneReviews
No classification provided. Condition: Mucolipidosis type II. Review status: no classification provided. Collection method: literature only. Allele origin: unknown. Not counted in ClinVar's aggregate classification.

Literature cited by the submitters: PubMed 19617216 (cited by Labcorp Genetics (formerly Invitae), Labcorp); PubMed 25107912 (cited by Labcorp Genetics (formerly Invitae), Labcorp); PubMed 19634183 (cited by 5 submitters); PubMed 27662472 (cited by Natera, Inc. and Women's Health and Genetics/Laboratory Corporation of America, LabCorp); PubMed 20301728 (cited by GeneReviews); NCBI Bookshelf NBK1828 (cited by GeneReviews).

NM_024312.5(GNPTAB):c.2550_2554del (p.Lys850fs)

Gene: GNPTAB (N-acetylglucosamine-1-phosphate transferase subunits alpha and beta; minus strand). Cytogenetic location: 12q23.2.
Variant type: Microsatellite.
Coding change: c.2550_2554del on transcript NM_024312.5 (MANE Select); coding-DNA positions 2550 to 2554, 5 bases deleted (GAAAA; older notation c.2550_2554delGAAAA).
Protein change: p.Lys850fs; shifts the reading frame from lysine 850.
Molecular consequence: frameshift variant.
Genome position (GRCh38, 1-based): chr12:101,764,363-101,764,367, TTTTC deleted on the plus strand (GAAAA on the coding strand, the reverse complement: GNPTAB is on the minus strand); deleting any 5 consecutive bases within chr12:101,764,363-101,764,376 gives the same sequence; the c. name uses the placement nearest the transcript's 3' end. VCF-style (leftmost placement, unchanged base first): chr12-101764362-ATTTTC-A. GRCh37 (hg19) VCF-style: chr12-102158140-ATTTTC-A.
Other names: p.Lys850Asnfs*10; c.2550_2554del (NM_024312.4); c.2550_2554del5 (NM_024312.4); short protein forms K850fs.
Identifiers: ClinVar variation 39055 (VCV000039055.25), dbSNP rs281864996, ClinGen allele CA343376.
Genomic context (GRCh38, chr12:101,764,362, plus strand): 5'-ACGCCTATGTGATTTTCAGCATTTTCCTCCATTCTACTGTTCTCTTTTTCTTTCCCTGTG[ATTTTC>A]TTTTCTTTTGTCATCTGGCTTTCCAGTGGAACAATCAGAGATGGGGGCTTTTCTTTTGTC-3'